The following is an entry in ClinVar:

NM_001042492.3(NF1):c.1123_1130del (p.Asp374_Leu375insTer)

Gene: NF1 (neurofibromin 1; plus strand). Cytogenetic location: 17q11.2.
Variant type: Deletion.
Coding change: c.1123_1130del on transcript NM_001042492.3 (MANE Select); coding-DNA positions 1123 to 1130, 8 bases deleted (CTAATGAT; older notation c.1123_1130delCTAATGAT).
Protein change: p.Asp374_Leu375insTer.
Molecular consequence: nonsense. On other transcripts: frameshift variant (1).
Genome position (GRCh38, 1-based): chr17:31,201,097-31,201,104, CTAATGAT deleted; deleting any 8 consecutive bases within chr17:31,201,094-31,201,104 gives the same sequence; the c. name uses the placement nearest the transcript's 3' end. VCF-style (leftmost placement, unchanged base first): chr17-31201093-GGATCTAAT-G. GRCh37 (hg19) VCF-style: chr17-29528111-GGATCTAAT-G.
Other names: c.1123_1130delCTAATGAT, p.Leu375Terfs (NM_000267.4); c.1123_1130del, p.Asp374_Leu375insTer (NM_001128147.3).
Identifiers: ClinVar variation 3342572 (VCV003342572.1).

ClinVar aggregate classification (germline): Pathogenic (1 of 4 stars; one submission).

Submission:

GeneDx
Classification: Pathogenic. Last evaluated: 2022-07-18. Review status: criteria provided, single submitter. Criteria: GeneDx Variant Classification Process June 2021. Collection method: clinical testing. Allele origin: germline. Affected: yes.
Comment: Nonsense variant predicted to result in protein truncation or nonsense mediated decay in a gene for which loss of function is a known mechanism of disease; Not observed at significant frequency in large population cohorts (gnomAD); Has not been previously published as pathogenic or benign to our knowledge